The following is an entry in ClinVar:

NM_014946.4(SPAST):c.1414-1G>C

Gene: SPAST (spastin; plus strand). Cytogenetic location: 2p22.3.
Variant type: single nucleotide variant.
Coding change: c.1414-1G>C on transcript NM_014946.4 (MANE Select); the canonical splice acceptor site of the intron before coding-DNA position 1414, G replaced by C.
Molecular consequence: splice acceptor variant.
Genome position (GRCh38, 1-based): chr2:32,137,108, G>C. VCF-style: chr2-32137108-G-C. GRCh37 (hg19) VCF-style: chr2-32362177-G-C.
Other names: c.1318-1G>C (NM_199436.2, NM_001377959.1); c.1411-1G>C (NM_001363823.2); c.1315-1G>C (NM_001363875.2).
Identifiers: ClinVar variation 188227 (VCV000188227.9), dbSNP rs786204163, ClinGen allele CA334385.

ClinVar aggregate classification (germline): Pathogenic. Review status: criteria provided, multiple submitters, no conflicts (2 of 4 stars). 2 submissions from 2 submitters: Pathogenic (2). Last evaluated 2014-11-11.

Conditions:
Hereditary spastic paraplegia 4. Also called: Familial spastic paraplegia autosomal dominant 2; Spastic paraplegia 4, autosomal dominant; Spastic Paraplegia 4. Identifiers: Orphanet 100985, MedGen C1866855, MONDO:0008438, OMIM 182601.

Submissions (2):

Labcorp Genetics (formerly Invitae), Labcorp
Classification: Pathogenic for Hereditary spastic paraplegia 4. Last evaluated: 2014-11-11. Review status: criteria provided, single submitter. Criteria: Invitae Variant Classification Sherloc (09022015). Collection method: clinical testing. Allele origin: germline.
Comment: cDNA synthesized from the patient was used to demonstrate that this sequence change results in skipping of exon 12 (PMID: 20932283), which is part of the the functionally important AAA domain in SPAST. For these reasons, this sequence change has been classified as Pathogenic. This sequence change has been reported in the literature and is not present in population databases. This sequence change affects a acceptor splice site in intron 11 and is expected to disrupt mRNA splicing.

Paris Brain Institute, Inserm - ICM
Classification: Pathogenic for Hereditary spastic paraplegia 4. Review status: criteria provided, single submitter. Criteria: ACMG Guidelines, 2015. Collection method: clinical testing. Allele origin: unknown. Affected: yes. Observed: 1 variant allele.

Literature cited by the submitters: PubMed 20932283 (cited by Labcorp Genetics (formerly Invitae), Labcorp).